The following is an entry in ClinVar:

ClinVar aggregate classification (germline): Likely pathogenic (1 of 4 stars; one submission).

Conditions:
Lamb-Shaffer syndrome. Identifiers: Orphanet 313884, Orphanet 313892, Orphanet 530983, MedGen C4225202, MONDO:0014778, OMIM 616803.

Submission:

MGZ Medical Genetics Center
Classification: Likely pathogenic for Lamb-Shaffer syndrome. Last evaluated: 2022-09-06. Review status: criteria provided, single submitter. Criteria: ACMG Guidelines, 2015. Collection method: clinical testing. Allele origin: germline. Affected: yes. Observed: 1 variant allele.
Comment: ACMG criteria applied: PVS1, PM2_SUP

NM_006940.6(SOX5):c.932-2A>C

Gene: SOX5 (SRY-box transcription factor 5; minus strand). Cytogenetic location: 12p12.1.
Variant type: single nucleotide variant.
Coding change: c.932-2A>C on transcript NM_006940.6 (MANE Select); the canonical splice acceptor site of the intron before coding-DNA position 932, A replaced by C.
Molecular consequence: splice acceptor variant.
Genome position (GRCh38, 1-based): chr12:23,640,899, T>G on the plus strand (A>C on the coding strand, the complement: SOX5 is on the minus strand). VCF-style: chr12-23640899-T-G. GRCh37 (hg19) VCF-style: chr12-23793833-T-G.
Other names: c.893-2A>C (NM_152989.5, NM_001261414.3); c.902-2A>C (NM_001261415.3); c.827-2A>C (NM_001330785.2).
Identifiers: ClinVar variation 1709787 (VCV001709787.2), dbSNP rs2548855120, ClinGen allele CA384317869.